The following is an entry in ClinVar:

NM_000404.4(GLB1):c.955+142_955+143insTTTTCT

Gene: GLB1 (galactosidase beta 1; minus strand). Cytogenetic location: 3p22.3.
Variant type: Microsatellite.
Coding change: c.955+142_955+143insTTTTCT on transcript NM_000404.4 (MANE Select); bases 142 to 143 of the intron after coding-DNA position 955, TTTTCT inserted.
Molecular consequence: intron variant.
Genome position: GRCh38 VCF-style: chr3-33051615-A-AAAAAAG. GRCh37 (hg19) VCF-style: chr3-33093107-A-AAAAAAG.
Other names: c.955+142_955+143insTTTTCT (NM_001393580.1); c.562+142_562+143insTTTTCT (NM_001135602.3); c.1099+142_1099+143insTTTTCT (NM_001317040.2); c.865+142_865+143insTTTTCT (NM_001079811.3).
Identifiers: ClinVar variation 1699664 (VCV001699664.2), dbSNP rs764769471.

ClinVar aggregate classification (germline): Likely benign (1 of 4 stars; one submission).

Submission:

GeneDx
Classification: Likely benign. Last evaluated: 2020-06-16. Review status: criteria provided, single submitter. Criteria: GeneDx Variant Classification Process June 2021. Collection method: clinical testing. Allele origin: germline. Affected: yes.
Comment: See Variant Classification Assertion Criteria.